The following is an entry in ClinVar:

ClinVar aggregate classification (germline): Uncertain significance (1 of 4 stars; one submission).

Conditions:
Epileptic encephalopathy. Identifiers: MedGen C0543888, HP:0200134.

Allele frequency attached by ClinVar (database versions not stated): TOPMed 0.00002.
gnomAD v4.1: 35 of 1,415,122 alleles (0.0025%); highest among the groups gnomAD compares: Non-Finnish European, 0.0031%; no homozygotes.

Submission:

Labcorp Genetics (formerly Invitae), Labcorp
Classification: Uncertain significance for Epileptic encephalopathy. Last evaluated: 2024-12-30. Review status: criteria provided, single submitter. Criteria: Invitae Variant Classification Sherloc (09022015). Collection method: clinical testing. Allele origin: germline.
Comment: This sequence change replaces alanine, which is neutral and non-polar, with glycine, which is neutral and non-polar, at codon 46 of the GABBR2 protein (p.Ala46Gly). This variant is not present in population databases (gnomAD no frequency). This variant has not been reported in the literature in individuals affected with GABBR2-related conditions. ClinVar contains an entry for this variant (Variation ID: 850847). Experimental studies and prediction algorithms are not available or were not evaluated, and the functional significance of this variant is currently unknown. In summary, the available evidence is currently insufficient to determine the role of this variant in disease. Therefore, it has been classified as a Variant of Uncertain Significance.

NM_005458.8(GABBR2):c.137C>G (p.Ala46Gly)

Gene: GABBR2 (gamma-aminobutyric acid type B receptor subunit 2; minus strand). Cytogenetic location: 9q22.33.
Variant type: single nucleotide variant.
Coding change: c.137C>G on transcript NM_005458.8 (MANE Select); coding-DNA position 137, C replaced by G.
Protein change: p.Ala46Gly; replaces alanine 46 with glycine.
Molecular consequence: missense variant.
Genome position (GRCh38, 1-based): chr9:98,708,601, G>C on the plus strand (C>G on the coding strand, the complement: GABBR2 is on the minus strand). VCF-style: chr9-98708601-G-C. GRCh37 (hg19) VCF-style: chr9-101470883-G-C.
Other names: short protein forms A46G.
Identifiers: ClinVar variation 850847 (VCV000850847.7), dbSNP rs753441454, ClinGen allele CA374212773.